The following is an entry in ClinVar:

NM_002474.3(MYH11):c.59T>G (p.Phe20Cys)

Gene: MYH11 (myosin heavy chain 11; minus strand). Cytogenetic location: 16p13.11.
Variant type: single nucleotide variant.
Coding change: c.59T>G on transcript NM_002474.3 (MANE Select); coding-DNA position 59, T replaced by G.
Protein change: p.Phe20Cys; replaces phenylalanine 20 with cysteine.
Molecular consequence: missense variant.
Genome position (GRCh38, 1-based): chr16:15,838,194, A>C on the plus strand (T>G on the coding strand, the complement: MYH11 is on the minus strand). VCF-style: chr16-15838194-A-C. GRCh37 (hg19) VCF-style: chr16-15932051-A-C.
Other names: c.59T>G, p.Phe20Cys (NM_001040113.2, NM_001040114.2, NM_022844.3); short protein forms F20C.
Identifiers: ClinVar variation 920878 (VCV000920878.4), dbSNP rs2043957002, ClinGen allele CA395198898.
Genomic context (GRCh38, chr16:15,838,194, plus strand): 5'-GAGGGGACCCAGACGAGTCTCTTGGCGGCCCAGTCAGCCTGGGCCACTGGGCTGTTGATG[A>C]AGTTTTTGTCCACAAAGAGGAACTTCTCATCGTCACTGAGTTGGCCCTTCTGCGCCATGG-3'
Protein context (NP_002465.1, residues 10-30): DEKFLFVDKN[Phe20Cys]INSPVAQADW

ClinVar aggregate classification (germline): Uncertain significance (1 of 4 stars; one submission).

Conditions:
Familial thoracic aortic aneurysm and aortic dissection (TAAD). Also called: Thoracic aortic aneurysms and dissections. Identifiers: Orphanet 91387, MedGen C4707243, MONDO:0019625.

Submission:

Color Diagnostics, LLC DBA Color Health
Classification: Uncertain significance for Familial thoracic aortic aneurysm and aortic dissection. Last evaluated: 2024-03-07. Review status: criteria provided, single submitter. Criteria: ACMG Guidelines, 2015. Collection method: clinical testing. Allele origin: germline.
Comment: This missense variant replaces phenylalanine with cysteine at codon 20 of the MYH11 protein. Computational prediction is inconclusive regarding the impact of this variant on protein structure and function (internally defined REVEL score threshold 0.5 < inconclusive < 0.7, PMID: 27666373). To our knowledge, functional studies have not been reported for this variant. This variant has not been reported in individuals affected with cardiovascular disorders in the literature. This variant has not been identified in the general population by the Genome Aggregation Database (gnomAD). The available evidence is insufficient to determine the role of this variant in disease conclusively. Therefore, this variant is classified as a Variant of Uncertain Significance.